The following is an entry in ClinVar:

NM_020366.4(RPGRIP1):c.1615_1624del (p.Glu539fs)

Gene: RPGRIP1 (RPGR interacting protein 1; plus strand). Cytogenetic location: 14q11.2.
Variant type: Deletion.
Coding change: c.1615_1624del on transcript NM_020366.4 (MANE Select); coding-DNA positions 1615 to 1624, 10 bases deleted (GAACTGGAGG; older notation c.1615_1624delGAACTGGAGG).
Protein change: p.Glu539fs; shifts the reading frame from glutamic acid 539.
Molecular consequence: frameshift variant.
Genome position (GRCh38, 1-based): chr14:21,321,857-21,321,866, GAACTGGAGG deleted; deleting any 10 consecutive bases within chr14:21,321,856-21,321,866 gives the same sequence; the c. name uses the placement nearest the transcript's 3' end. VCF-style (leftmost placement, unchanged base first): chr14-21321855-AGGAACTGGAG-A. GRCh37 (hg19) VCF-style: chr14-21790014-AGGAACTGGAG-A.
Other names: c.1615_1624del10 (NM_020366.3); c.541_550del, p.Glu181fs (NM_001377523.1, NM_001377948.1, NM_001377949.1 and 1 more transcripts); c.43_52del, p.Glu15fs (NM_001377951.1); short protein forms E539fs, E15fs, E181fs.
Identifiers: ClinVar variation 812424 (VCV000812424.41), dbSNP rs1420750126, ClinGen allele CA612377176.

ClinVar aggregate classification (germline): Pathogenic/Likely pathogenic. Review status: criteria provided, multiple submitters, no conflicts (2 of 4 stars). 10 submissions from 10 submitters: Pathogenic (6); Likely pathogenic (2). 2 of the submissions do not count toward it. Last evaluated 2025-06-24.

Conditions:
Leber congenital amaurosis (LCA). Also called: Leber's amaurosis. Identifiers: Orphanet 65, MedGen C0339527, MeSH D057130, MONDO:0018998.
Leber congenital amaurosis 6 (LCA6). Identifiers: Orphanet 65, MedGen C1854260, MONDO:0013446, OMIM 613826.
Retinal dystrophy. Also called: Inherited retinal dystrophy. Identifiers: Orphanet 71862, MedGen C0854723, MeSH D058499, MONDO:0019118, HP:0000556.
Cone-rod dystrophy 13 (CORD13). Identifiers: Orphanet 1872, MedGen C2750720, MONDO:0011987, OMIM 608194.
Cone-rod dystrophy. Also called: Cone/cone-rod dystrophy; Cone-rod degeneration. Identifiers: Orphanet 1872, MedGen C4085590, MONDO:0015993, HP:0000548.
RPGRIP1-related disorder. Also called: RPGRIP1-related condition.

Submissions (10):

PreventionGenetics, part of Exact Sciences
Classification: Pathogenic for RPGRIP1-related condition. Last evaluated: 2025-06-24. Review status: criteria provided, single submitter. Criteria: ACMG Guidelines, 2015. Collection method: clinical testing. Allele origin: germline.
Comment: The RPGRIP1 c.1615_1624del10 variant is predicted to result in a frameshift and premature protein termination (p.Glu539Glnfs*2). This variant has been reported in individuals with CRB1-related retinal disease (referred to as c.1614_1623del in Booij et al. 2005. PubMed ID: 16272259; Jamshidi et al. 2018. PubMed ID: 30072743). This variant is reported in 0.060% of alleles in individuals of Ashkenazi Jewish descent in gnomAD. Frameshift variants in RPGRIP1 are expected to be pathogenic. This variant is interpreted as pathogenic.

Labcorp Genetics (formerly Invitae), Labcorp
Classification: Pathogenic for Leber congenital amaurosis 6; Cone-rod dystrophy 13. Last evaluated: 2024-10-16. Review status: criteria provided, single submitter. Criteria: Invitae Variant Classification Sherloc (09022015). Collection method: clinical testing. Allele origin: germline.
Comment: This sequence change creates a premature translational stop signal (p.Glu539Glnfs*2) in the RPGRIP1 gene. It is expected to result in an absent or disrupted protein product. Loss-of-function variants in RPGRIP1 are known to be pathogenic (PMID: 11528500, 23105016). This variant is present in population databases (no rsID available, gnomAD 0.05%). This premature translational stop signal has been observed in individual(s) with clinical features of retinitis pigmentosa (PMID: 16272259, 30072743). ClinVar contains an entry for this variant (Variation ID: 812424). For these reasons, this variant has been classified as Pathogenic.

CeGaT Center for Human Genetics Tuebingen
Classification: Pathogenic. Last evaluated: 2024-03-01. Review status: criteria provided, single submitter. Criteria: CeGaT Center For Human Genetics Tuebingen Variant Classification Criteria Version 2. Collection method: clinical testing. Allele origin: germline. Affected: yes. Observed: 1 variant allele.
Comment: RPGRIP1: PVS1, PM2, PM3

Blueprint Genetics
Classification: Pathogenic for RPGRIP1-related disorders. Last evaluated: 2023-10-01. Review status: criteria provided, single submitter. Criteria: ACMG Guidelines, 2015. Collection method: clinical testing. Allele origin: germline. Affected: yes. Observed: 2 variant alleles.

Women's Health and Genetics/Laboratory Corporation of America, LabCorp
Classification: Likely pathogenic for Leber congenital amaurosis. Last evaluated: 2022-02-18. Review status: criteria provided, single submitter. Criteria: LabCorp Variant Classification Summary - May 2015. Collection method: clinical testing. Allele origin: germline.
Comment: Variant summary: RPGRIP1 c.1615_1624del10 (p.Glu539GlnfsX2) results in a premature termination codon, predicted to cause a truncation of the encoded protein or absence of the protein due to nonsense mediated decay, which are commonly known mechanisms for disease. Truncations downstream of this position have not been observed at our laboratory but are reported in association with Leber Congenital Amaurosis and other RPGRIP1-related phenotypes in the HGMD/LOVD databases. The variant allele was found at a frequency of 2.9e-05 in 244006 control chromosomes. These data indicate that the variant may be associated with disease. To our knowledge, no experimental evidence demonstrating an impact on protein function has been reported. Four clinical diagnostic laboratories have submitted clinical-significance assessments for this variant to ClinVar after 2014 and a majority consensus as Pathogenic (VUS, n=1). Based on the evidence outlined above, the variant was classified as likely pathogenic.

Department of Pathology and Laboratory Medicine, Sinai Health System
Classification: Likely pathogenic for Cone-rod dystrophy 13; Leber congenital amaurosis 6. Last evaluated: 2021-07-30. Review status: criteria provided, single submitter. Criteria: ACMG Guidelines, 2015. Collection method: research. Allele origin: germline.

Revvity Omics, Revvity
Classification: Pathogenic. Last evaluated: 2021-06-25. Review status: criteria provided, single submitter. Criteria: ACMG Guidelines, 2015. Collection method: clinical testing. Allele origin: germline.

Institute of Human Genetics, Univ. Regensburg, Univ. Regensburg
Classification: Pathogenic for Retinal dystrophy. Last evaluated: 2018-01-01. Review status: criteria provided, single submitter. Criteria: ACMG Guidelines, 2015. Collection method: clinical testing. Allele origin: germline. Affected: yes.

Broad Center for Mendelian Genomics, Broad Institute of MIT and Harvard
Classification: Uncertain significance for Leber congenital amaurosis 6. Last evaluated: 2020-11-16. Review status: no assertion criteria provided. Collection method: curation. Allele origin: germline. Inheritance: Autosomal recessive inheritance. Not counted in ClinVar's aggregate classification.
Comment: The heterozygous p.Glu14GlnfsTer2 (p.Glu539GlnfsTer2) variant in RPGRIP1 was identified in our study in 2 siblings with Leber congenital amaurosis 6 in the compound heterozygous state along with a structural variant of uncertain significance (PMID: 30072743). Trio genome analysis revealed that this variant was in trans with the variant of uncertain significance. This variant in has been reported in 1 individual with Leber congenital amaurosis 6 (PMID: 16272259), and has been observed in 0.06% (6/10048) of Ashkenazi Jewish chromosomes by the Genome Aggregation Database (gnomAD; dbSNP rs1420750126). Although this variant has been seen in the general population, its frequency is not high enough to rule out a pathogenic role. This variant has also been reported in ClinVar (Variation ID#: 812424) and has been interpreted as pathogenic by Sharon lab, Hadassah-Hebrew University Medical Center. This variant is predicted to cause a frameshift, which alters the proteinâ€™s amino acid sequence beginning at position 14 and leads to a premature termination codon 2 amino acids downstream. This alteration is then predicted to lead to a truncated or absent protein. Loss of function of the RPGRIP1 gene is an established disease mechanism in autosomal recessive Leber congenital amaurosis 6. In summary, while there is some suspicion for a pathogenic role, the clinical significance of this variant is uncertain. ACMG/AMP Criteria applied: PVS1 (Richards 2015).

Sharon lab, Hadassah-Hebrew University Medical Center
Classification: Pathogenic for Cone-rod degeneration. Last evaluated: 2019-06-23. Review status: no assertion criteria provided. Collection method: research. Allele origin: inherited. Affected: yes. Not counted in ClinVar's aggregate classification.

Literature cited by the submitters: PubMed 11528500 (cited by Labcorp Genetics (formerly Invitae), Labcorp); PubMed 23105016 (cited by Labcorp Genetics (formerly Invitae), Labcorp); PubMed 16272259 (cited by 3 submitters); PubMed 30072743 (cited by Labcorp Genetics (formerly Invitae), Labcorp and Women's Health and Genetics/Laboratory Corporation of America, LabCorp); PubMed 3007274 (cited by Institute of Human Genetics, Univ. Regensburg, Univ. Regensburg).